The following is an entry in ClinVar:

NM_007294.4(BRCA1):c.5073A>G (p.Thr1691=)

Gene: BRCA1 (BRCA1 DNA repair associated; minus strand). Cytogenetic location: 17q21.31.
Variant type: single nucleotide variant.
Coding change: c.5073A>G on transcript NM_007294.4 (MANE Select); coding-DNA position 5073, A replaced by G.
Protein change: p.Thr1691=; no amino-acid change (threonine 1691 retained).
Molecular consequence: synonymous variant. On other transcripts: intron variant (1).
Genome position (GRCh38, 1-based): chr17:43,067,609, T>C on the plus strand (A>G on the coding strand, the complement: BRCA1 is on the minus strand). VCF-style: chr17-43067609-T-C. GRCh37 (hg19) VCF-style: chr17-41219626-T-C.
Other names: T1691T; p.T1691T:ACA>ACG; NM_007294.4(BRCA1):c.5073A>G; p.Thr1691=; c.4860A>G, p.Thr1620= (NM_001407571.1, NM_001407894.1, NM_001407895.1 and 12 more transcripts); c.5139A>G, p.Thr1713= (NM_001407581.1, NM_001407582.1); c.5136A>G, p.Thr1712= (NM_001407583.1, NM_001407585.1, NM_001407587.1 and 1 more transcripts); c.5133A>G, p.Thr1711= (NM_001407590.1, NM_001407591.1); and 75 more.
Identifiers: ClinVar variation 55374 (VCV000055374.21), dbSNP rs80356853, ClinGen allele CA003191.
Genomic context (GRCh38, chr17:43,067,609, plus strand): 5'-TCGCCTCATGTGGTTTTATGCAGCAGATGCAAGGTATTCTGTAAAGGTTCTTGGTATACC[T>C]GTTTTCATAACAACATGAGTAGTCTCTTCAGTAATTAGATTAGTTAAAGTGATGTGGTGT-3'
Protein context (NP_009225.1, residues 1681-1701): TEETTHVVMK[Thr1691=]DAEFVCERTL

ClinVar aggregate classification (germline): Uncertain significance. Review status: reviewed by expert panel (3 of 4 stars). 7 submissions from 7 submitters: Uncertain significance (1). 6 of the submissions do not count toward it. Last evaluated 2024-06-11.

Conditions:
Hereditary cancer-predisposing syndrome. Also called: Hereditary Cancer Syndrome; Hereditary neoplastic syndrome; Neoplastic Syndromes, Hereditary; Tumor predisposition. Identifiers: Orphanet 140162, MedGen C0027672, MeSH D009386, MONDO:0015356.
Fanconi anemia, complementation group S (FANCS). Identifiers: MedGen C4554406, MONDO:0054748, OMIM 617883.
Breast-ovarian cancer, familial, susceptibility to, 1 (BROVCA1). Also called: BRCA1 Hereditary Breast and Ovarian Cancer; OVARIAN CANCER, SUSCEPTIBILITY TO. Identifiers: Orphanet 145, MedGen C2676676, MONDO:0011450, OMIM 604370. Disease mechanism: loss of function.
BRCA1-related cancer predisposition. Identifiers: MedGen CN377757, MONDO:0700268.
Hereditary breast ovarian cancer syndrome. Also called: BRCA1- and BRCA2-Associated Hereditary Breast and Ovarian Cancer; Hereditary breast and ovarian cancer syndrome; Hereditary breast and ovarian cancer syndrome (HBOC); Breast and ovarian cancer; Hereditary breast and/or ovarian cancer syndrome; Hereditary breast and ovarian cancer. Identifiers: Orphanet 145, MedGen C0677776, MeSH D061325, MONDO:0003582. Disease mechanism: loss of function.

Allele frequency attached by ClinVar (database versions not stated): gnomAD exomes below 0.00001.
gnomAD v4.1: 1 of 1,607,416 alleles (0.000062%); highest among the groups gnomAD compares: Non-Finnish European, 0.000085%; no homozygotes.

Submissions (8):

ClinGen ENIGMA BRCA1 and BRCA2 Variant Curation Expert Panel, ClinGen
Classification: Uncertain significance for BRCA1-related cancer predisposition. Last evaluated: 2024-06-11. Review status: reviewed by expert panel. Criteria: CSpec BRCA1/2ACMG Rules Specifications V1.0. Collection method: curation. Allele origin: germline. Inheritance: Autosomal dominant inheritance.
Comment: The c.5073A>G variant in BRCA1 is a synonymous variant (p.Thr1691=). This variant is absent from gnomAD v2.1 (exomes only, non-cancer subset, read depth >=25) and gnomAD v3.1 (non-cancer subset, read depth >=25) (PM2_Supporting met). This BRCA1 silent variant has a SpliceAI predictor score of 0.71, predicting an impact on splicing (score threshold >0.20) (PP3 met). Although this variant was reported by one calibrated study to exhibit protein function similar to benign control variants, other silent variants at the same position (c.5073A>C/T) were reported to affect function similar to pathogenic control variants in the same assay (PMID: 30209399). Additionally, these three variants have the same predicted effect on splicing and a splicing impact was observed for variant c.5073A>G (Ambry personal communication) (BS3 not applied due to conflicting evidence). In summary, this variant meets the criteria to be classified as a Variant of uncertain significance for BRCA1-related cancer predisposition based on the ACMG/AMP criteria applied as specified by the ENIGMA BRCA1/2 VCEP (PM2_Supporting, PP3).

Color Diagnostics, LLC DBA Color Health
Classification: Uncertain significance for Hereditary cancer-predisposing syndrome. Last evaluated: 2025-06-18. Review status: criteria provided, single submitter. Criteria: ACMG Guidelines, 2015. Collection method: clinical testing. Allele origin: germline. Not counted in ClinVar's aggregate classification.
Comment: This variant causes a A>G nucleotide substitution at the second to the last nucleotide in exon 16 of the BRCA1 gene. Splice site prediction tools suggest that this variant significantly weakens the intron 16 splice donor site (PMID: 30661751). A functional study that also examined RNA abundance reported an intermediate impact on RNA abundance and no impact on BRCA1 function in a haploid cell proliferation assay (PMID: 30209399). A different A>T substitution at this conserved A nucleotide has been reported to cause the retention of the first 173 nucleotides of intron 16, introducing a premature termination codon in the aberrantly spliced transcript (PMID: 29760936). A multifactorial analysis has reported a likelihood ratio for pathogenicity based on personal and family history of 1.945 from log(LR)=0.2888 for one carrier (PMID: 31853058). Two different substitutions at this conserved A nucleotide to T and C have been reported in four individuals from two families affected with breast and ovarian cancer (PMID: 29271107, 29760936). This variant has not been identified in the general population by the Genome Aggregation Database (gnomAD). The available evidence is insufficient to determine the role of this variant in disease conclusively. Therefore, this variant is classified as a Variant of Uncertain Significance.

Labcorp Genetics (formerly Invitae), Labcorp
Classification: Uncertain significance for Hereditary breast ovarian cancer syndrome. Last evaluated: 2023-10-08. Review status: criteria provided, single submitter. Criteria: Invitae Variant Classification Sherloc (09022015). Collection method: clinical testing. Allele origin: germline. Not counted in ClinVar's aggregate classification.
Comment: This sequence change affects codon 1691 of the BRCA1 mRNA. It is a 'silent' change, meaning that it does not change the encoded amino acid sequence of the BRCA1 protein. It affects a nucleotide within the consensus splice site. This variant is not present in population databases (gnomAD no frequency). This variant has not been reported in the literature in individuals affected with BRCA1-related conditions. ClinVar contains an entry for this variant (Variation ID: 55374). Studies have shown that this variant is associated with altered splicing resulting in unknown protein product impact (PMID: 30209399; Invitae). In summary, the available evidence is currently insufficient to determine the role of this variant in disease. Therefore, it has been classified as a Variant of Uncertain Significance.

Ambry Genetics
Classification: Uncertain significance for Hereditary cancer-predisposing syndrome. Last evaluated: 2022-03-04. Review status: criteria provided, single submitter. Criteria: Ambry Variant Classification Scheme 2023. Collection method: clinical testing. Allele origin: germline. Not counted in ClinVar's aggregate classification.
Comment: The c.5073A>G variant (also known as p.T1691T), located in coding exon 15, results from an A to G substitution at nucleotide position 5073 of the BRCA1 gene. This nucleotide substitution does not change the amino acid at codon 1691. However, this change occurs in the second to last base pair of coding exon 15, which gives it potential to have some effect on normal mRNA splicing. This alteration (designated as 5192A>G) exhibited loss of function when studied by a transcriptional activation assay in yeast, but was also reported as functional in a high throughput, genome editing, haploid cell survival assay (Carvalho MA et al. Cancer Biol.Ther. 2002 Sep;1(5):502-8; Findlay GM et al. Nature, 2018 10;562:217-222). This nucleotide position is highly conserved in available vertebrate species. In silico splice site analysis predicts that this alteration will weaken the native splice donor site, however, direct evidence is insufficient at this time (Ambry internal data). A different alteration at this location, c.5073A>T, also predicted to weaken the native donor site, has been reported as having a splicing impact in the literature, producing two aberrant transcripts, one resulting in skipping of coding exon 15, and one with a partial inclusion of intron 15 (Coppa A et al. Cancer Med, 2018 01;7:46-55). Since supporting evidence is conflicting at this time, the clinical significance of this alteration remains unclear.

GeneDx
Classification: Uncertain significance. Last evaluated: 2014-07-09. Review status: criteria provided, single submitter. Criteria: GeneDx Variant Classification (06012015). Collection method: clinical testing. Allele origin: germline. Affected: yes. Not counted in ClinVar's aggregate classification.
Comment: This variant is denoted BRCA1 c.5073A>G at the DNA level. Although the variant is silent at the coding level, preserving a Threonine at codon 1691, multiple in silico models predict this variant to negatively impact the nearby natural splice donor site, and to possibly cause abnormal gene splicing. This variant, also known as BRCA1 c.5192A>G by alternate nomenclature, was shown to exhibit loss of function when studied by a transcription activation assay (Carvalho 2002). BRCA1 c.5073A>G was not observed in approximately 6,500 individuals of European and African American ancestry in the NHLBI Exome Sequencing Project, indicating it is not a common benign variant in these populations. The nucleotide which is altered, an adenine (A) at base 5073, is well conserved across mammals. Based on currently available information, it is unclear whether BRCA1 c.5073A>G is pathogenic or benign. We consider it to be a variant of uncertain significance.

Kasturba Medical College, Manipal, Kasturba Medical College, Manipal, Manipal Academy of Higher Education, Manipal, India
Classification: Uncertain significance for Fanconi anemia, complementation group S. Review status: criteria provided, single submitter. Criteria: ACMG Guidelines, 2015. Collection method: research. Allele origin: germline. Inheritance: Autosomal recessive inheritance. Affected: yes. Observed: 1 heterozygote. Not counted in ClinVar's aggregate classification.
Comment: A known synonymous variant, c. This variant is reported in one individual in a heterozygous state in the gnomAD (v4.1.0) population database. It is not reported in heterozygous state in our in-house database of 3204 exomes. This variant has been reported in a heterozygous state in an individual with hereditary breast and ovarian carcinoma (Minucci et al., 2018). This variant is reported in ClinVar database as a variant of uncertain significance in five independent submissions (ClinVar ID - 55374).

Breast Cancer Information Core (BIC) (BRCA1)
Classification: Uncertain significance for Breast-ovarian cancer, familial 1. Last evaluated: 2002-03-14. Review status: no assertion criteria provided. Collection method: clinical testing. Allele origin: germline. Affected: yes. Observed: 2 variant alleles. Not counted in ClinVar's aggregate classification.

Brotman Baty Institute, University of Washington
No classification provided (evidence only). Condition: Breast-ovarian cancer, familial 1. Review status: no classification provided. Collection method: in vitro. Allele origin: not applicable. Functional consequence: functionally_normal. Not counted in ClinVar's aggregate classification.
ClinVar note: "not provided" was previously submitted as the classification for the variant. However, the classification appeared to be based only on an observation of functional data so it was converted to no classification on 2025-07-30.

Literature cited by the submitters: PubMed 29271107 (cited by Color Diagnostics, LLC DBA Color Health and Ambry Genetics); PubMed 29760936 (cited by Color Diagnostics, LLC DBA Color Health and Kasturba Medical College, Manipal, Kasturba Medical College, Manipal, Manipal Academy of Higher Education, Manipal, India); PubMed 30209399 (cited by 3 submitters); PubMed 30661751 (cited by Color Diagnostics, LLC DBA Color Health); PubMed 31853058 (cited by Color Diagnostics, LLC DBA Color Health); PubMed 12496477 (cited by Ambry Genetics).